The following is an entry in ClinVar:

ClinVar aggregate classification (germline): Uncertain significance. Review status: criteria provided, multiple submitters, no conflicts (2 of 4 stars). 2 submissions from 2 submitters: Uncertain significance (2). Last evaluated 2025-08-21.

Conditions:
Inborn genetic diseases. Identifiers: MedGen C0950123, MeSH D030342.

Allele frequency attached by ClinVar (database versions not stated): gnomAD exomes below 0.00001.
gnomAD v4.1: 7 of 1,501,720 alleles (0.00047%); highest among the groups gnomAD compares: Non-Finnish European, 0.00053%; no homozygotes.

Submissions (2):

Labcorp Genetics (formerly Invitae), Labcorp
Classification: Uncertain significance. Last evaluated: 2025-08-21. Review status: criteria provided, single submitter. Criteria: Invitae Variant Classification Sherloc (09022015). Collection method: clinical testing. Allele origin: germline.
Comment: This sequence change replaces aspartic acid, which is acidic and polar, with glutamic acid, which is acidic and polar, at codon 20 of the AHDC1 protein (p.Asp20Glu). This variant is not present in population databases (gnomAD no frequency). This variant has not been reported in the literature in individuals affected with AHDC1-related conditions. ClinVar contains an entry for this variant (Variation ID: 1906091). An algorithm developed to predict the effect of missense changes on protein structure and function (PolyPhen-2) suggests that this variant is likely to be disruptive. In summary, the available evidence is currently insufficient to determine the role of this variant in disease. Therefore, it has been classified as a Variant of Uncertain Significance.

Ambry Genetics
Classification: Uncertain significance for Inborn genetic diseases. Last evaluated: 2025-07-04. Review status: criteria provided, single submitter. Criteria: Ambry Variant Classification Scheme 2023. Collection method: clinical testing. Allele origin: germline.

NM_001371928.1(AHDC1):c.60C>G (p.Asp20Glu)

Gene: AHDC1 (AT-hook DNA binding motif containing 1; minus strand). Cytogenetic location: 1p36.11.
Variant type: single nucleotide variant.
Coding change: c.60C>G on transcript NM_001371928.1 (MANE Select); coding-DNA position 60, C replaced by G.
Protein change: p.Asp20Glu; replaces aspartic acid 20 with glutamic acid.
Molecular consequence: missense variant.
Genome position (GRCh38, 1-based): chr1:27,552,056, G>C on the plus strand (C>G on the coding strand, the complement: AHDC1 is on the minus strand). VCF-style: chr1-27552056-G-C. GRCh37 (hg19) VCF-style: chr1-27878567-G-C.
Other names: c.60C>G, p.Asp20Glu (NM_001029882.3); c.60C>G (NM_001029882.2); short protein forms D20E.
Identifiers: ClinVar variation 1906091 (VCV001906091.6), dbSNP rs2522123566, ClinGen allele CA339238612.